The following is an entry in ClinVar:

NM_015530.5(GORASP2):c.910+30G>A

Gene: GORASP2 (golgi reassembly stacking protein 2; plus strand). Cytogenetic location: 2q31.1.
Variant type: single nucleotide variant.
Coding change: c.910+30G>A on transcript NM_015530.5 (MANE Select); 30 bases into the intron after coding-DNA position 910, G replaced by A.
Molecular consequence: intron variant.
Genome position (GRCh38, 1-based): chr2:170,961,779, G>A. VCF-style: chr2-170961779-G-A. GRCh37 (hg19) VCF-style: chr2-171818289-G-A.
Other names: p.?; c.706+30G>A (NM_001201428.2).
Identifiers: ClinVar variation 4684603 (VCV004684603.1).

ClinVar aggregate classification (germline): Likely benign (1 of 4 stars; one submission).

gnomAD v4.1: 1,050,424 of 1,050,446 alleles (100%); highest among the groups gnomAD compares: Middle Eastern, 100%; 525,201 homozygotes.

Submission:

Mayo Clinic Laboratories, Mayo Clinic
Classification: Likely benign. Last evaluated: 2025-12-09. Review status: criteria provided, single submitter. Criteria: ACMG Guidelines, 2015. Collection method: clinical testing. Allele origin: germline. Observed: 27 variant alleles.
Comment: BP4, BP7